The following is an entry in ClinVar:

ClinVar aggregate classification (germline): Uncertain significance. Review status: criteria provided, multiple submitters, no conflicts (2 of 4 stars). 2 submissions from 2 submitters: Uncertain significance (2). Last evaluated 2025-07-01.

Allele frequency attached by ClinVar (database versions not stated): TOPMed 0.00002; ExAC 0.00004; gnomAD 0.00005; ESP Exome Variant Server 0.00015.
gnomAD v4.1: 144 of 1,612,794 alleles (0.0089%); highest among the groups gnomAD compares: Non-Finnish European, 0.012%; no homozygotes.

Submissions (2):

CeGaT Center for Human Genetics Tuebingen
Classification: Uncertain significance. Last evaluated: 2025-07-01. Review status: criteria provided, single submitter. Criteria: CeGaT Center For Human Genetics Tuebingen Variant Classification Criteria Version 2. Collection method: clinical testing. Allele origin: germline. Affected: yes. Observed: 1 variant allele.
Comment: CRY1: PP3

Ambry Genetics
Classification: Uncertain significance. Last evaluated: 2021-08-12. Review status: criteria provided, single submitter. Criteria: Ambry Variant Classification Scheme 2023. Collection method: clinical testing. Allele origin: germline.

NM_004075.5(CRY1):c.767G>A (p.Arg256Gln)

Gene: CRY1 (cryptochrome circadian regulator 1; minus strand). Cytogenetic location: 12q23.3.
Variant type: single nucleotide variant.
Coding change: c.767G>A on transcript NM_004075.5 (MANE Select); coding-DNA position 767, G replaced by A.
Protein change: p.Arg256Gln; replaces arginine 256 with glutamine.
Molecular consequence: missense variant.
Genome position (GRCh38, 1-based): chr12:107,000,000, C>T on the plus strand (G>A on the coding strand, the complement: CRY1 is on the minus strand). VCF-style: chr12-107000000-C-T. GRCh37 (hg19) VCF-style: chr12-107393778-C-T.
Other names: c.683G>A, p.Arg228Gln (NM_001413465.1, NM_001413464.1); c.380G>A, p.Arg127Gln (NM_001413466.1); c.290G>A, p.Arg97Gln (NM_001413467.1, NM_001413468.1, NM_001413469.1 and 1 more transcripts); c.767G>A, p.Arg256Gln (NM_001413458.1, NM_001413459.1, NM_001413460.1 and 2 more transcripts); c.761G>A, p.Arg254Gln (NM_001413463.1); short protein forms R127Q, R254Q, R256Q, R228Q, R97Q.
Identifiers: ClinVar variation 2371374 (VCV002371374.10), dbSNP rs149558160, ClinGen allele CA6764198.